The following is an entry in ClinVar:

ClinVar aggregate classification (germline): Uncertain significance. Review status: criteria provided, multiple submitters, no conflicts (2 of 4 stars). 2 submissions from 2 submitters: Uncertain significance (2). Last evaluated 2022-07-26.

Allele frequency attached by ClinVar (database versions not stated): TOPMed below 0.00001; gnomAD exomes 0.00001 and 0.00002.
gnomAD v4.1: 5 of 1,600,110 alleles (0.00031%); highest among the groups gnomAD compares: Admixed American, 0.0083%; no homozygotes.

Submissions (2):

Labcorp Genetics (formerly Invitae), Labcorp
Classification: Uncertain significance. Last evaluated: 2022-07-26. Review status: criteria provided, single submitter. Criteria: Invitae Variant Classification Sherloc (09022015). Collection method: clinical testing. Allele origin: germline.
Comment: In summary, the available evidence is currently insufficient to determine the role of this variant in disease. Therefore, it has been classified as a Variant of Uncertain Significance. Algorithms developed to predict the effect of missense changes on protein structure and function are either unavailable or do not agree on the potential impact of this missense change (SIFT: "Deleterious"; PolyPhen-2: "Probably Damaging"; Align-GVGD: "Class C0"). ClinVar contains an entry for this variant (Variation ID: 498879). This variant has not been reported in the literature in individuals affected with CUL7-related conditions. This variant is present in population databases (no rsID available, gnomAD 0.01%). This sequence change replaces glycine, which is neutral and non-polar, with glutamic acid, which is acidic and polar, at codon 795 of the CUL7 protein (p.Gly795Glu).

Eurofins Ntd Llc (ga)
Classification: Uncertain significance. Last evaluated: 2017-01-03. Review status: criteria provided, single submitter. Criteria: EGL Classification Definitions 2015. Collection method: clinical testing. Allele origin: germline. Observed: 1 variant allele, 1 heterozygote.

NM_014780.5(CUL7):c.2384G>A (p.Gly795Glu)

Gene: CUL7 (cullin 7; minus strand). Cytogenetic location: 6p21.1.
Variant type: single nucleotide variant.
Coding change: c.2384G>A on transcript NM_014780.5 (MANE Select); coding-DNA position 2384, G replaced by A.
Protein change: p.Gly795Glu; replaces glycine 795 with glutamic acid.
Molecular consequence: missense variant.
Genome position (GRCh38, 1-based): chr6:43,046,893, C>T on the plus strand (G>A on the coding strand, the complement: CUL7 is on the minus strand). VCF-style: chr6-43046893-C-T. GRCh37 (hg19) VCF-style: chr6-43014631-C-T.
Other names: c.2480G>A, p.Gly827Glu (NM_001168370.2, NM_001374872.1); c.2384G>A, p.Gly795Glu (NM_001374873.1, NM_001374874.1); short protein forms G795E, G827E.
Identifiers: ClinVar variation 498879 (VCV000498879.10), dbSNP rs1305192331, ClinGen allele CA364216230.